The following is an entry in ClinVar:

ClinVar aggregate classification (germline): Uncertain significance (1 of 4 stars; one submission).

Conditions:
Cardiovascular phenotype. Identifiers: MedGen CN230736.

Submission:

Molecular Diagnostic Laboratory for Inherited Cardiovascular Disease, Montreal Heart Institute
Classification: Uncertain significance for Cardiovascular phenotype. Last evaluated: 2025-04-08. Review status: criteria provided, single submitter. Criteria: ACMG Guidelines, 2015. Collection method: clinical testing. Allele origin: germline. Affected: yes.
Comment: PM2;PP2;PP3

NM_001035.3(RYR2):c.11153A>G (p.Glu3718Gly)

Gene: RYR2 (ryanodine receptor 2; plus strand). Cytogenetic location: 1q43.
Variant type: single nucleotide variant.
Coding change: c.11153A>G on transcript NM_001035.3 (MANE Select); coding-DNA position 11153, A replaced by G.
Protein change: p.Glu3718Gly; replaces glutamic acid 3718 with glycine.
Molecular consequence: missense variant.
Genome position (GRCh38, 1-based): chr1:237,756,295, A>G. VCF-style: chr1-237756295-A-G. GRCh37 (hg19) VCF-style: chr1-237919595-A-G.
Other names: short protein forms E3718G.
Identifiers: ClinVar variation 978308 (VCV000978308.3), dbSNP rs1692947723, ClinGen allele CA345425760.